The following is an entry in ClinVar:

NM_000027.4(AGA):c.1000G>T (p.Glu334Ter)

Gene: AGA (aspartylglucosaminidase; minus strand). Cytogenetic location: 4q34.3.
Variant type: single nucleotide variant.
Coding change: c.1000G>T on transcript NM_000027.4 (MANE Select); coding-DNA position 1000, G replaced by T.
Protein change: p.Glu334Ter; replaces glutamic acid 334 with a stop codon.
Molecular consequence: nonsense. On other transcripts: non-coding transcript variant (1).
Genome position (GRCh38, 1-based): chr4:177,431,749, C>A on the plus strand (G>T on the coding strand, the complement: AGA is on the minus strand). VCF-style: chr4-177431749-C-A. GRCh37 (hg19) VCF-style: chr4-178352903-C-A.
Other names: c.970G>T, p.Glu324Ter (NM_001171988.2); short protein forms E324*, E334*.
Identifiers: ClinVar variation 2203596 (VCV002203596.1), dbSNP rs763615962, ClinGen allele CA358780114.

ClinVar aggregate classification (germline): Uncertain significance (1 of 4 stars; one submission).

Conditions:
Aspartylglucosaminuria (AGU). Also called: AGA DEFICIENCY; GLYCOASPARAGINASE; GLYCOSYLASPARAGINASE DEFICIENCY; Aspartylglucos-aminuria; Aspartylglucos-amidase (AGA) deficiency. Identifiers: Orphanet 93, MedGen C0268225, MONDO:0008830, OMIM 208400, HP:0012068.

Submission:

Labcorp Genetics (formerly Invitae), Labcorp
Classification: Uncertain significance for Aspartylglucosaminuria. Last evaluated: 2022-09-13. Review status: criteria provided, single submitter. Criteria: Invitae Variant Classification Sherloc (09022015). Collection method: clinical testing. Allele origin: germline.
Comment: This sequence change creates a premature translational stop signal (p.Glu334*) in the AGA gene. While this is not anticipated to result in nonsense mediated decay, it is expected to disrupt the last 13 amino acid(s) of the AGA protein. This variant is not present in population databases (gnomAD no frequency). This premature translational stop signal has been observed in individual(s) with clinical features of AGA-related conditions (PMID: 11309371). Experimental studies and prediction algorithms are not available or were not evaluated, and the functional significance of this variant is currently unknown. In summary, the available evidence is currently insufficient to determine the role of this variant in disease. Therefore, it has been classified as a Variant of Uncertain Significance.

Literature cited by the submitters: PubMed 11309371.